The following continues an entry in ClinVar:

NM_000059.4(BRCA2):c.5350_5351del (p.Asn1784fs)

Gene: BRCA2. ClinVar aggregate classification (germline): Pathogenic. Pathogenic (1).

Submissions 10 to 24 of 43:

ARUP Laboratories, Molecular Genetics and Genomics, ARUP Laboratories
Classification: Pathogenic. Last evaluated: 2025-01-13. Review status: criteria provided, single submitter. Criteria: ARUP Molecular Germline Variant Investigation Process 2024. Collection method: clinical testing. Allele origin: germline. Not counted in ClinVar's aggregate classification.
Comment: The BRCA2 c.5350_5351del; p.Asn1784HisfsTer2variant (rs80359507) has been identified in multiple individuals diagnosed with ovarian, fallopian tube or peritoneal cancer (Cunningham 2014, Gayther 1997, Walsh 2011, Zhang 2011). It is reported as pathogenic by multiple laboratories in ClinVar (Variation ID: 37959) and observed in only 1/30754 alleles in the Genome Aggregation Database (v2.1.1), indicating it is not a common polymorphism. This variant causes a frameshift by deleting 2 nucleotides, so is predicted to result in a truncated protein or mRNA subject to nonsense-mediated decay. Based on the above information, this variant is considered pathogenic. References: Cunningham J et al. Clinical characteristics of ovarian cancer classified by BRCA1, BRCA2, and RAD51C status. Sci Rep. 2014. 4:4026. PMID: 24504028. Gayther S et al. Variation of risks of breast and ovarian cancer associated with different germline mutations of the BRCA2 gene. Nat Genet. 1997. 15(1):103-5. PMID: 8988179. Walsh T et al. Mutations in 12 genes for inherited ovarian, fallopian tube, and peritoneal carcinoma identified by massively parallel sequencing.Proc Natl Acad Sci U S A. 2011. 108(44):18032-7. PMID: 22006311. Zhang S et al. Frequencies of BRCA1 and BRCA2 mutations among 1,342 unselected patients with invasive ovarian cancer.Gynecol Oncol. 2011. 121(2):353-7. PMID: 21324516.

Mayo Clinic Laboratories, Mayo Clinic
Classification: Pathogenic. Last evaluated: 2024-12-27. Review status: criteria provided, single submitter. Criteria: ACMG Guidelines, 2015. Collection method: clinical testing. Allele origin: germline. Observed: 4 variant alleles. Not counted in ClinVar's aggregate classification.
Comment: PM5_strong, PVS1

Blueprint Genetics
Classification: Pathogenic for BRCA2-related disorders. Last evaluated: 2024-05-16. Review status: criteria provided, single submitter. Criteria: ACMG Guidelines, 2015. Collection method: clinical testing. Allele origin: germline. Affected: yes. Observed: 5 variant alleles. Not counted in ClinVar's aggregate classification.

All of Us Research Program, National Institutes of Health
Classification: Pathogenic for BRCA2-related cancer predisposition. Last evaluated: 2024-04-25. Review status: criteria provided, single submitter. Criteria: ACMG Guidelines, 2015. Collection method: clinical testing. Allele origin: germline. Inheritance: Autosomal dominant inheritance. Observed: 17 variant alleles, 17 heterozygotes. Not counted in ClinVar's aggregate classification.
Comment: This variant deletes 2 nucleotides in exon 11 of the BRCA2 gene, creating a frameshift and premature translation stop signal. This variant is also known as 5573delAA, 5578delAA, and c.5351_5352delAA in the literature. This variant is expected to result in an absent or non-functional protein product. To our knowledge, functional studies have not been reported for this variant. This variant has been reported in at least eight individuals affected with ovarian cancer (PMID: 21324516, 22006311, 23633455, 24728189, 29084914), peritoneal cancer (PMID: 22006311) and individuals affected triple-negative or male breast cancer (PMID: 21233401, 28008555) and at least two families affected with both breast and ovarian cancer (PMID: 8988179, 9150172). This variant also has been observed in individuals affected with pancreatic and prostate cancer (PMID: 23569316, 28687971). This variant has been identified in 1/31198 chromosomes in the general population by the Genome Aggregation Database (gnomAD). Loss of BRCA2 function is a known mechanism of disease. Based on the available evidence, this variant is classified as Pathogenic.

This study involves interpretation of variants in research participants for the purpose of population health screening. Participant phenotype was not available at the time of variant classification. Additional details can be found in publication PMID: 35346344, PMCID: PMC8962531

Baylor Genetics
Classification: Pathogenic for Familial cancer of breast. Last evaluated: 2024-03-15. Review status: criteria provided, single submitter. Criteria: ACMG Guidelines, 2015. Collection method: clinical testing. Allele origin: unknown. Not counted in ClinVar's aggregate classification.

Color Diagnostics, LLC DBA Color Health
Classification: Pathogenic for Hereditary cancer-predisposing syndrome. Last evaluated: 2024-03-06. Review status: criteria provided, single submitter. Criteria: ACMG Guidelines, 2015. Collection method: clinical testing. Allele origin: germline. Not counted in ClinVar's aggregate classification.
Comment: This variant deletes 2 nucleotides in exon 11 of the BRCA2 gene, creating a frameshift and premature translation stop signal. This variant is also known as 5573delAA, 5578delAA, and c.5351_5352delAA in the literature. This variant is expected to result in an absent or non-functional protein product. This variant has been reported in at least eight individuals affected with ovarian cancer (PMID: 21324516, 22006311, 23633455, 24728189, 29084914), peritoneal cancer (PMID: 22006311) and individuals affected triple-negative or male breast cancer (PMID: 21233401, 28008555) and at least two families affected with both breast and ovarian cancer (PMID: 8988179, 9150172). This variant also has been observed in individuals affected with pancreatic and prostate cancer (PMID: 23569316, 28687971). This variant has been identified in 1/31198 chromosomes in the general population by the Genome Aggregation Database (gnomAD). Loss of BRCA2 function is a known mechanism of disease. Based on the available evidence, this variant is classified as Pathogenic.

Fulgent Genetics
Classification: Pathogenic for Familial cancer of breast; Medulloblastoma; Familial prostate cancer; Wilms tumor 1; Fanconi anemia complementation group D1; Breast-ovarian cancer, familial, susceptibility to, 2; Glioma susceptibility 3; Pancreatic cancer, susceptibility to, 2. Last evaluated: 2024-01-12. Review status: criteria provided, single submitter. Criteria: ACMG Guidelines, 2015. Collection method: clinical testing. Allele origin: germline. Not counted in ClinVar's aggregate classification.

Revvity Omics, Revvity
Classification: Pathogenic. Last evaluated: 2024-01-04. Review status: criteria provided, single submitter. Criteria: ACMG Guidelines, 2015. Collection method: clinical testing. Allele origin: germline. Not counted in ClinVar's aggregate classification.

Baylor Genetics
Classification: Pathogenic for Breast-ovarian cancer, familial, susceptibility to, 2. Last evaluated: 2023-08-17. Review status: criteria provided, single submitter. Criteria: ACMG Guidelines, 2015. Collection method: clinical testing. Allele origin: unknown. Not counted in ClinVar's aggregate classification.

Quest Diagnostics Nichols Institute San Juan Capistrano
Classification: Pathogenic. Last evaluated: 2023-07-19. Review status: criteria provided, single submitter. Criteria: Quest Diagnostics criteria. Collection method: clinical testing. Allele origin: unknown. Not counted in ClinVar's aggregate classification.
Comment: The BRCA2 c.5350_5351del (p.Asn1784Hisfs*2) variant (also known as 5578delAA and 5573delAA) alters the translational reading frame of the BRCA2 mRNA and causes the premature termination of BRCA2 protein synthesis. This variant has been reported in the published literature in individuals with ovarian cancer (PMID: 21324516 (2011), 22006311 (2011), 23633455 (2013), 24504028 (2014)), breast cancer (PMID: 28008555 (2017), 31360904 (2019)), prostate cancer (PMID: 28687971 (2018), 32338768 (2020)), and pancreatic cancer (PMID: 29922827 (2018)). The frequency of this variant in the general population, 0.000032 (1/31198 chromosomes (Genome Aggregation Database)), is consistent with pathogenicity. Based on the available information, this variant is classified as pathogenic.

St. Jude Molecular Pathology, St. Jude Children's Research Hospital
Classification: Pathogenic for Breast-ovarian cancer, familial, susceptibility to, 2. Last evaluated: 2023-03-08. Review status: criteria provided, single submitter. Criteria: St. Jude Assertion Criteria 2020. Collection method: clinical testing. Allele origin: germline. Not counted in ClinVar's aggregate classification.
Comment: The BRCA2 c.5350_5351del (p.Asn1784HisfsTer2) change causes a frameshift and the creation of a premature stop codon. This change is predicted to cause protein truncation or absence of the protein due to nonsense mediated decay. This variant has been reported in several individuals with hereditary breast and ovarian cancer (HBOC)-related cancers, including ovarian cancer (PMID: 30322717, 23633455, 21324516, 22006311), breast cancer (PMID: 31360904), pancreatic cancer (PMID: 29922827), and prostate cancer (PMID: 32338768). It has a maximum subpopulation frequency of 0.0065% in gnomAD v2.1.1. This variant is also known as 5573delAA and c.5578delAA in the literature. In summary, this variant meets criteria to be classified as pathogenic.

MGZ Medical Genetics Center
Classification: Pathogenic for Breast-ovarian cancer, familial, susceptibility to, 2. Last evaluated: 2022-02-23. Review status: criteria provided, single submitter. Criteria: ACMG Guidelines, 2015. Collection method: clinical testing. Allele origin: germline. Affected: yes. Observed: 1 variant allele. Not counted in ClinVar's aggregate classification.
Comment: ACMG criteria applied: PVS1, PS4_MOD, PM2_SUP

Daryl Scott Lab, Baylor College of Medicine
Classification: Pathogenic for Fanconi anemia complementation group D1. Last evaluated: 2022-02-01. Review status: criteria provided, single submitter. Criteria: ACMG Guidelines, 2015. Collection method: clinical testing. Allele origin: maternal. Observed: 1 variant allele. Not counted in ClinVar's aggregate classification.

CHEO Genetics Diagnostic Laboratory, Children's Hospital of Eastern Ontario
Classification: Pathogenic for Breast and/or ovarian cancer. Last evaluated: 2022-01-28. Review status: criteria provided, single submitter. Criteria: ACMG Guidelines, 2015. Collection method: clinical testing. Allele origin: germline. Not counted in ClinVar's aggregate classification.

Sema4
Classification: Pathogenic for Hereditary cancer-predisposing syndrome. Last evaluated: 2021-11-17. Review status: criteria provided, single submitter. Criteria: Sema4 Curation Guidelines. Collection method: curation. Allele origin: germline. Not counted in ClinVar's aggregate classification.
Comment: The BRCA2 c.5350_5351delAA (p.N1784HfsX2) variant has been reported in at least 5 individuals with Ovarian and Pancreatic Cancer (PMID: 8988179, 30322717, 24504028, 28687971, 29084914). This variant deletes 2 nucleotides causing a frameshift at codon 1784 which creates a premature stop codon at position 2 of the new reading frame. At this location, this is predicted to cause nonsense-mediated decay and result in an absent protein (loss of function). Loss of function variants in BRCA2 are known to be pathogenic (PMID: 29446198). This variant, also known as c.5573delAA or 5578delAA, was observed in 1/31198 chromosomes in the Non-Finish European population according to the Genome Aggregation Database (PMID: 27535533) and has been reported in ClinVar (Variant ID: 37959). Based on the current evidence available, this variant is interpreted as pathogenic.